The following is an entry in ClinVar:

ClinVar aggregate classification (germline): Uncertain significance (1 of 4 stars; one submission).

Submission:

Mayo Clinic Laboratories, Mayo Clinic
Classification: Uncertain significance. Last evaluated: 2024-07-03. Review status: criteria provided, single submitter. Criteria: ACMG Guidelines, 2015. Collection method: clinical testing. Allele origin: germline. Observed: 1 variant allele.
Comment: PP3, PM2

NM_198994.3(TGM6):c.981C>G (p.Asp327Glu)

Gene: TGM6 (transglutaminase 6; plus strand). Cytogenetic location: 20p13.
Variant type: single nucleotide variant.
Coding change: c.981C>G on transcript NM_198994.3 (MANE Select); coding-DNA position 981, C replaced by G.
Protein change: p.Asp327Glu; replaces aspartic acid 327 with glutamic acid.
Molecular consequence: missense variant.
Genome position (GRCh38, 1-based): chr20:2,400,436, C>G. VCF-style: chr20-2400436-C-G. GRCh37 (hg19) VCF-style: chr20-2381082-C-G.
Other names: p.Asp327Glu; c.981C>G, p.Asp327Glu (NM_001254734.2); short protein forms D327E.
Identifiers: ClinVar variation 3380645 (VCV003380645.1).